The following is an entry in ClinVar:

ClinVar aggregate classification (germline): Uncertain significance (1 of 4 stars; one submission).

gnomAD v4.1: 4 of 1,518,344 alleles (0.00026%); highest among the groups gnomAD compares: South Asian, 0.005%; no homozygotes.

Submission:

Ambry Genetics
Classification: Uncertain significance. Last evaluated: 2026-05-04. Review status: criteria provided, single submitter. Criteria: Ambry Variant Classification Scheme 2023. Collection method: clinical testing. Allele origin: germline.
Comment: The p.G169C variant (also known as c.505G>T), located in coding exon 3 of the GFI1 gene, results from a G to T substitution at nucleotide position 505. The glycine at codon 169 is replaced by cysteine, an amino acid with highly dissimilar properties. This amino acid position is conserved. In addition, this alteration is predicted to be tolerated by in silico analysis. Based on the available evidence, the clinical significance of this variant remains unclear.

NM_005263.5(GFI1):c.505G>T (p.Gly169Cys)

Gene: GFI1 (growth factor independent 1 transcriptional repressor; minus strand). Cytogenetic location: 1p22.1.
Variant type: single nucleotide variant.
Coding change: c.505G>T on transcript NM_005263.5 (MANE Select); coding-DNA position 505, G replaced by T.
Protein change: p.Gly169Cys; replaces glycine 169 with cysteine.
Molecular consequence: missense variant.
Genome position (GRCh38, 1-based): chr1:92,480,882, C>A on the plus strand (G>T on the coding strand, the complement: GFI1 is on the minus strand). VCF-style: chr1-92480882-C-A. GRCh37 (hg19) VCF-style: chr1-92946439-C-A.
Other names: c.505G>T, p.Gly169Cys (NM_001127215.3, NM_001127216.3); short protein forms G169C.
Identifiers: ClinVar variation 4858055 (VCV004858055.1).